The following is an entry in ClinVar:

NM_004655.4(AXIN2):c.882C>T (p.Ala294=)

Gene: AXIN2 (axin 2; minus strand). Cytogenetic location: 17q24.1.
Variant type: single nucleotide variant.
Coding change: c.882C>T on transcript NM_004655.4 (MANE Select); coding-DNA position 882, C replaced by T.
Protein change: p.Ala294=; no amino-acid change (alanine 294 retained).
Molecular consequence: synonymous variant.
Genome position (GRCh38, 1-based): chr17:65,549,594, G>A on the plus strand (C>T on the coding strand, the complement: AXIN2 is on the minus strand). VCF-style: chr17-65549594-G-A. GRCh37 (hg19) VCF-style: chr17-63545712-G-A.
Other names: c.882C>T (LRG_296t1); c.882C>T, p.Ala294= (NM_001363813.1).
Identifiers: ClinVar variation 464645 (VCV000464645.16), dbSNP rs767103313, ClinGen allele CA8718953.
Genomic context (GRCh38, chr17:65,549,594, plus strand): 5'-CATGGACATGGAATCATCCGTCAGCGCATCACTGGATATCTCACTGTCGTTGGCGCTGGT[G>A]GCTGGTGCAAAGACATAGCCAGAACCTATGTGATAAGGATTAACAGGATCGCTCCTCTTG-3'
Protein context (NP_004646.3, residues 284-304): HIGSGYVFAP[Ala294=]TSANDSEISS

ClinVar aggregate classification (germline): Benign/Likely benign. Review status: criteria provided, multiple submitters, no conflicts (2 of 4 stars). 3 submissions from 3 submitters: Benign (1); Likely benign (2). Last evaluated 2025-12-21.

Conditions:
Hereditary cancer-predisposing syndrome. Also called: Neoplastic Syndromes, Hereditary; Tumor predisposition; Hereditary Cancer Syndrome; Hereditary neoplastic syndrome. Identifiers: Orphanet 140162, MedGen C0027672, MeSH D009386, MONDO:0015356.
Oligodontia-cancer predisposition syndrome. Also called: TOOTH AGENESIS-COLORECTAL CANCER SYNDROME. Identifiers: Orphanet 300576, MedGen C1837750, MONDO:0012075, OMIM 608615. Disease mechanism: loss of function.

Allele frequency attached by ClinVar (database versions not stated): ExAC below 0.00001; gnomAD exomes below 0.00001 and 0.00001; TOPMed below 0.00001.
gnomAD v4.1: 5 of 1,607,578 alleles (0.00031%); highest among the groups gnomAD compares: African/African-American, 0.0013%; no homozygotes.

Submissions (3):

Labcorp Genetics (formerly Invitae), Labcorp
Classification: Likely benign for Oligodontia-cancer predisposition syndrome. Last evaluated: 2025-12-21. Review status: criteria provided, single submitter. Criteria: Invitae Variant Classification Sherloc (09022015). Collection method: clinical testing. Allele origin: germline.

Myriad Genetics, Inc.
Classification: Benign for Oligodontia-cancer predisposition syndrome. Last evaluated: 2024-06-28. Review status: criteria provided, single submitter. Criteria: Myriad Autosomal Dominant, Autosomal Recessive and X-Linked Classification Criteria (2023). Collection method: clinical testing. Allele origin: unknown.
Comment: This variant is considered benign. This variant is a silent/synonymous amino acid change and it is not expected to impact splicing.

Ambry Genetics
Classification: Likely benign for Hereditary cancer-predisposing syndrome. Last evaluated: 2019-01-14. Review status: criteria provided, single submitter. Criteria: Ambry Variant Classification Scheme 2023. Collection method: clinical testing. Allele origin: germline.